The following is an entry in ClinVar:

ClinVar aggregate classification (germline): Likely pathogenic (1 of 4 stars; one submission).

Submission:

GeneDx
Classification: Likely pathogenic. Last evaluated: 2023-01-24. Review status: criteria provided, single submitter. Criteria: GeneDx Variant Classification Process June 2021. Collection method: clinical testing. Allele origin: germline. Affected: yes.
Comment: Reported in the heterozygous state in a family with adult-onset Alexander disease in the published literature (Elmali et al., 2016); Not observed at significant frequency in large population cohorts (gnomAD); In silico analysis supports that this missense variant does not alter protein structure/function; This variant is associated with the following publications: (PMID: 28360791)

NM_002055.5(GFAP):c.1245G>A (p.Met415Ile)

Gene: GFAP (glial fibrillary acidic protein; minus strand). Cytogenetic location: 17q21.31.
Variant type: single nucleotide variant.
Coding change: c.1245G>A on transcript NM_002055.5 (MANE Select); coding-DNA position 1245, G replaced by A.
Protein change: p.Met415Ile; replaces methionine 415 with isoleucine.
Molecular consequence: missense variant.
Genome position (GRCh38, 1-based): chr17:44,908,076, C>T on the plus strand (G>A on the coding strand, the complement: GFAP is on the minus strand). VCF-style: chr17-44908076-C-T. GRCh37 (hg19) VCF-style: chr17-42985444-C-T.
Other names: c.1365G>A, p.Met455Ile (NM_001363846.2); short protein forms M415I, M455I.
Identifiers: ClinVar variation 2573917 (VCV002573917.1), dbSNP rs2508923016, ClinGen allele CA399838815.